The following is an entry in ClinVar:

ClinVar aggregate classification (germline): Uncertain significance (1 of 4 stars; one submission).

Conditions:
Gastrointestinal stromal tumor. Also called: Gastrointestinal stroma tumor; Gastrointestinal stromal tumor, somatic. Identifiers: Orphanet 44890, MedGen C0238198, MeSH D046152, MONDO:0011719, OMIM 606764, HP:0100723.

Submission:

Labcorp Genetics (formerly Invitae), Labcorp
Classification: Uncertain significance for Gastrointestinal stromal tumor. Last evaluated: 2020-08-07. Review status: criteria provided, single submitter. Criteria: Invitae Variant Classification Sherloc (09022015). Collection method: clinical testing. Allele origin: germline.
Comment: In summary, the available evidence is currently insufficient to determine the role of this variant in disease. Therefore, it has been classified as a Variant of Uncertain Significance. Algorithms developed to predict the effect of missense changes on protein structure and function are either unavailable or do not agree on the potential impact of this missense change (SIFT: "Tolerated"; PolyPhen-2: "Probably Damaging"; Align-GVGD: "Class C0"). This variant has not been reported in the literature in individuals with PDGFRA-related conditions. ClinVar contains an entry for this variant (Variation ID: 528551). This variant is not present in population databases (ExAC no frequency). This sequence change replaces aspartic acid with asparagine at codon 1024 of the PDGFRA protein (p.Asp1024Asn). The aspartic acid residue is highly conserved and there is a small physicochemical difference between aspartic acid and asparagine.

NM_006206.6(PDGFRA):c.3070G>A (p.Asp1024Asn)

Gene: PDGFRA (platelet derived growth factor receptor alpha; plus strand). Cytogenetic location: 4q12.
Variant type: single nucleotide variant.
Coding change: c.3070G>A on transcript NM_006206.6 (MANE Select); coding-DNA position 3070, G replaced by A.
Protein change: p.Asp1024Asn; replaces aspartic acid 1024 with asparagine.
Molecular consequence: missense variant.
Genome position (GRCh38, 1-based): chr4:54,290,502, G>A. VCF-style: chr4-54290502-G-A. GRCh37 (hg19) VCF-style: chr4-55156669-G-A.
Other names: c.3145G>A, p.Asp1049Asn (NM_001347828.2); c.3070G>A, p.Asp1024Asn (NM_001347829.2); c.3109G>A, p.Asp1037Asn (NM_001347830.2); short protein forms D1024N, D1049N, D1037N.
Identifiers: ClinVar variation 528551 (VCV000528551.11), dbSNP rs1553906665, ClinGen allele CA356896312.
Genomic context (GRCh38, chr4:54,290,502, plus strand): 5'-GAGGGTGGTCTGGATGAGCAGAGACTGAGCGCTGACAGTGGCTACATCATTCCTCTGCCT[G>A]ACATTGACCCTGTCCCTGAGGAGGAGGACCTGGGCAAGAGGAACAGACACAGGTAGCTGT-3'
Protein context (NP_006197.1, residues 1014-1034): ADSGYIIPLP[Asp1024Asn]IDPVPEEEDL